The following is an entry in ClinVar:

ClinVar aggregate classification (germline): Likely pathogenic. Review status: criteria provided, multiple submitters, no conflicts (2 of 4 stars). 2 submissions from 2 submitters: Likely pathogenic (2). Last evaluated 2026-09-08.

Conditions:
Fabry disease. Also called: ALPHA-GALACTOSIDASE A DEFICIENCY; ANDERSON-FABRY DISEASE; Fabry's disease; Ceramide trihexosidosis; Angiokeratoma corporis diffusum; CERAMIDE TRIHEXOSIDASE DEFICIENCY. Identifiers: Orphanet 324, MedGen C0002986, MONDO:0010526, OMIM 301500, HP:0001071. Disease mechanism: loss of function, Fabry disease is due to inactivating mutations in the X-linked GLA gene resulting in deficiency of the enzyme Alpha Galactosidase-A..

Submissions (2):

Genomenon, Inc
Classification: Likely pathogenic for Fabry disease. Last evaluated: 2026-09-08. Review status: criteria provided, single submitter. Criteria: Genomenon Sequence Variant Interpretation Standards - Updated. Collection method: curation. Allele origin: germline. Affected: yes.
Comment: GLA p.Gln321Glu (c.961C>G) is a missense variant that changes the amino acid at codon 321 from Glutamine to Glutamic acid. This variant has been observed in at least one proband with clinical features consistent with Fabry disease (PMID:20022777;39766319;10666480). At least one functional study has demonstrated a substantial alteration in protein function relative to the wild-type (PMID:27657681). It is absent or not present at a significant frequency in gnomAD. In silico models predict that this variant is possibly or probably damaging. In conclusion, we classify GLA p.Gln321Glu (c.961C>G) as a likely pathogenic variant.

Women's Health and Genetics/Laboratory Corporation of America, LabCorp
Classification: Likely pathogenic for Fabry disease. Last evaluated: 2019-08-27. Review status: criteria provided, single submitter. Criteria: LabCorp Variant Classification Summary - May 2015. Collection method: clinical testing. Allele origin: germline.
Comment: Variant summary: GLA c.961C>G (p.Gln321Glu) results in a conservative amino acid change in the encoded protein sequence. Four of five in-silico tools predict a damaging effect of the variant on protein function. The variant was absent in 183503 control chromosomes. c.961C>G has been reported in the literature in individuals affected with Fabry Disease (Topaloglu_1999, Sirrs_2010, Yogasundaram_2018, Auray-Blais_2008) and HCM (Walsh_2017). These data indicate that the variant is likely to be associated with disease. Additional variants effecting the same codon, Q321R, Q321H, Q321L, and nearby codons, N320I, N3320K, N320Y, D322E, D322H, have been reported to be associated with Fabry disease (per HGMD). Therefore, suggesting this region is important for GLA protein function. To our knowledge, no experimental evidence demonstrating an impact on protein function has been reported. No clinical diagnostic laboratories have submitted clinical-significance assessments for this variant to ClinVar after 2014. Based on the evidence outlined above, the variant was classified as likely pathogenic.

Literature cited by the submitters: PubMed 20022777 (cited by Genomenon, Inc); PubMed 39766319 (cited by Genomenon, Inc); PubMed 10666480 (cited by Genomenon, Inc and Women's Health and Genetics/Laboratory Corporation of America, LabCorp); PubMed 27657681 (cited by Genomenon, Inc); PubMed 27532257 (cited by Women's Health and Genetics/Laboratory Corporation of America, LabCorp); PubMed 18023222 (cited by Women's Health and Genetics/Laboratory Corporation of America, LabCorp); PubMed 30571380 (cited by Women's Health and Genetics/Laboratory Corporation of America, LabCorp).

NM_000169.3(GLA):c.961C>G (p.Gln321Glu)

Genes: GLA (galactosidase alpha; minus strand), RPL36A-HNRNPH2 (RPL36A-HNRNPH2 readthrough; plus strand). Cytogenetic location: Xq22.1.
Variant type: single nucleotide variant.
Coding change: c.961C>G on transcript NM_000169.3 (MANE Select); coding-DNA position 961, C replaced by G.
Protein change: p.Gln321Glu; replaces glutamine 321 with glutamic acid.
Molecular consequence: missense variant. On other transcripts: non-coding transcript variant (3), intron variant (2).
Genome position (GRCh38, 1-based): chrX:101,398,408, G>C on the plus strand (C>G on the coding strand, the complement: GLA is on the minus strand). VCF-style: chrX-101398408-G-C. GRCh37 (hg19) VCF-style: chrX-100653396-G-C.
Other names: c.1084C>G, p.Gln362Glu (NM_001406747.1); c.961C>G, p.Gln321Glu (NM_001406748.1); c.300+2951G>C (NM_001199973.2); c.177+6586G>C (NM_001199974.2); short protein forms Q321E, Q362E.
Identifiers: ClinVar variation 180830 (VCV000180830.3), dbSNP rs730880439, ClinGen allele CA022220.
Genomic context (GRCh38, chrX:101,398,408, plus strand): 5'-TAAAATATATACTCTTATTTACCTGTCTAAGCTGGTACCCTTGCTTGCCCAAGGGGTCCT[G>C]ATTGATGGCAATTACGTCCTTATCCTGAAGGAGAGCTTTGGCTTGAGGGCTGATGTGTCG-3'
Protein context (NP_000160.1, residues 311-331): LQDKDVIAIN[Gln321Glu]DPLGKQGYQL